The following is an entry in ClinVar:

ClinVar aggregate classification (germline): Uncertain significance. Review status: criteria provided, multiple submitters, no conflicts (2 of 4 stars). 2 submissions from 2 submitters: Uncertain significance (2). Last evaluated 2021-08-13.

Conditions:
Epidermolysis bullosa simplex 3, localized or generalized intermediate, with BP230 deficiency (EBS3). Also called: Epidermolysis bullosa simplex due to BP230 deficiency; Epidermolysis bullosa simplex, autosomal recessive 2. Identifiers: Orphanet 412181, MedGen C3809470, MONDO:0014180, OMIM 615425.
Hereditary sensory and autonomic neuropathy type 6. Also called: HSAN VI; Neuropathy, hereditary sensory and autonomic, type VI. Identifiers: Orphanet 314381, MedGen C3539003, MONDO:0013839, OMIM 614653.

Allele frequency attached by ClinVar (database versions not stated): gnomAD 0.00001; gnomAD exomes 0.00001 and 0.00002; TOPMed 0.00001; ExAC 0.00002.
gnomAD v4.1: 5 of 1,613,582 alleles (0.00031%); highest among the groups gnomAD compares: Admixed American, 0.0083%; no homozygotes.

Submissions (2):

Labcorp Genetics (formerly Invitae), Labcorp
Classification: Uncertain significance for Epidermolysis bullosa simplex 3, localized or generalized intermediate, with BP230 deficiency; Hereditary sensory and autonomic neuropathy type 6. Last evaluated: 2021-08-13. Review status: criteria provided, single submitter. Criteria: Invitae Variant Classification Sherloc (09022015). Collection method: clinical testing. Allele origin: germline.
Comment: This sequence change replaces lysine with methionine at codon 1312 of the DST protein (p.Lys1312Met). The lysine residue is highly conserved and there is a moderate physicochemical difference between lysine and methionine. This variant is present in population databases (rs781104654, ExAC 0.02%). This variant has not been reported in the literature in individuals affected with DST-related conditions. Algorithms developed to predict the effect of missense changes on protein structure and function (SIFT, PolyPhen-2, Align-GVGD) all suggest that this variant is likely to be disruptive. In summary, the available evidence is currently insufficient to determine the role of this variant in disease. Therefore, it has been classified as a Variant of Uncertain Significance.

Revvity Omics, Revvity
Classification: Uncertain significance. Last evaluated: 2021-03-26. Review status: criteria provided, single submitter. Criteria: ACMG Guidelines, 2015. Collection method: clinical testing. Allele origin: germline.

NM_001723.7(DST):c.3935A>T (p.Lys1312Met)

Gene: DST (dystonin; minus strand). Cytogenetic location: 6p12.1.
Variant type: single nucleotide variant.
Coding change: c.3935A>T on transcript NM_001723.7 (MANE Plus Clinical); coding-DNA position 3935, A replaced by T.
Protein change: p.Lys1312Met; replaces lysine 1312 with methionine.
Molecular consequence: missense variant. On other transcripts: intron variant (10).
Genome position (GRCh38, 1-based): chr6:56,620,099, T>A on the plus strand (A>T on the coding strand, the complement: DST is on the minus strand). VCF-style: chr6-56620099-T-A. GRCh37 (hg19) VCF-style: chr6-56484897-T-A.
Other names: c.3935A>T (NM_001723.6); c.4830+4431A>T (NM_001144769.5); c.4929+4431A>T (NM_001374722.1, NM_001374736.1); c.4956+4431A>T (NM_001374734.1); c.4416+4431A>T (NM_001144770.2); c.4296+4431A>T (NM_001374730.1, NM_001386100.1, NM_183380.4 and 1 more transcripts); c.3318+4431A>T (NM_015548.5); short protein forms K1312M.
Identifiers: ClinVar variation 1007779 (VCV001007779.5), dbSNP rs781104654, ClinGen allele CA3870631.